The following is an entry in ClinVar:

ClinVar aggregate classification (germline): Benign (1 of 4 stars; one submission).

Allele frequency attached by ClinVar (database versions not stated): 1000 Genomes Project 0.71486; 1000 Genomes Project 30x 0.71814; ExAC 0.75333; TOPMed 0.76191; gnomAD 0.77271; gnomAD exomes 0.79651; ESP Exome Variant Server 0.80609.
gnomAD v4.1: 1,272,500 of 1,603,240 alleles (79%); highest among the groups gnomAD compares: Non-Finnish European, 82%; 508,712 homozygotes.

Submission:

Unidad de Genómica Garrahan, Hospital de Pediatría Garrahan
Classification: Benign. Last evaluated: 2024-01-24. Review status: criteria provided, single submitter. Criteria: ACMG Guidelines, 2015. Collection method: clinical testing. Allele origin: germline. Affected: no. Observed: 84 variant alleles.
Comment: This variant is classified as Benign based on local population frequency. This variant was detected in 88% of patients studied by a panel of primary immunodeficiencies. Number of patients: 84. Only high quality variants are reported.

NM_018518.5(MCM10):c.592+47A>G

Gene: MCM10 (minichromosome maintenance 10 replication initiation factor; plus strand). Cytogenetic location: 10p13.
Variant type: single nucleotide variant.
Coding change: c.592+47A>G on transcript NM_018518.5 (MANE Select); 47 bases into the intron after coding-DNA position 592, A replaced by G.
Molecular consequence: intron variant.
Genome position (GRCh38, 1-based): chr10:13,172,812, A>G. VCF-style: chr10-13172812-A-G. GRCh37 (hg19) VCF-style: chr10-13214812-A-G.
Other names: c.595+47A>G (NM_182751.3).
Identifiers: ClinVar variation 2687951 (VCV002687951.2), dbSNP rs6602637, ClinGen allele CA5411250.